The following is an entry in ClinVar:

NM_152703.5(SAMD9L):c.2854A>G (p.Ser952Gly)

Gene: SAMD9L (sterile alpha motif domain containing 9 like; minus strand). Cytogenetic location: 7q21.2.
Variant type: single nucleotide variant.
Coding change: c.2854A>G on transcript NM_152703.5 (MANE Select); coding-DNA position 2854, A replaced by G.
Protein change: p.Ser952Gly; replaces serine 952 with glycine.
Molecular consequence: missense variant.
Genome position (GRCh38, 1-based): chr7:93,133,118, T>C on the plus strand (A>G on the coding strand, the complement: SAMD9L is on the minus strand). VCF-style: chr7-93133118-T-C. GRCh37 (hg19) VCF-style: chr7-92762431-T-C.
Other names: c.2854A>G, p.Ser952Gly (NM_001303496.3, NM_001303497.3, NM_001303498.3 and 5 more transcripts); c.2854A>G (NM_152703.2); short protein forms S952G.
Identifiers: ClinVar variation 1958796 (VCV001958796.6), dbSNP rs1217834225, ClinGen allele CA368186254.

ClinVar aggregate classification (germline): Uncertain significance. Review status: criteria provided, multiple submitters, no conflicts (2 of 4 stars). 2 submissions from 2 submitters: Uncertain significance (2). Last evaluated 2025-07-31.

Conditions:
Inborn genetic diseases. Identifiers: MedGen C0950123, MeSH D030342.

Allele frequency attached by ClinVar (database versions not stated): gnomAD exomes 0.00001; gnomAD 0.00001; TOPMed below 0.00001.
gnomAD v4.1: 14 of 1,612,932 alleles (0.00087%); highest among the groups gnomAD compares: South Asian, 0.015%; no homozygotes.

Submissions (2):

Ambry Genetics
Classification: Uncertain significance for Inborn genetic diseases. Last evaluated: 2025-07-31. Review status: criteria provided, single submitter. Criteria: Ambry Variant Classification Scheme 2023. Collection method: clinical testing. Allele origin: germline.

Labcorp Genetics (formerly Invitae), Labcorp
Classification: Uncertain significance. Last evaluated: 2025-05-23. Review status: criteria provided, single submitter. Criteria: Invitae Variant Classification Sherloc (09022015). Collection method: clinical testing. Allele origin: germline.
Comment: This sequence change replaces serine, which is neutral and polar, with glycine, which is neutral and non-polar, at codon 952 of the SAMD9L protein (p.Ser952Gly). This variant is present in population databases (no rsID available, gnomAD 0.007%). This variant has not been reported in the literature in individuals affected with SAMD9L-related conditions. ClinVar contains an entry for this variant (Variation ID: 1958796). Invitae Evidence Modeling of protein sequence and biophysical properties (such as structural, functional, and spatial information, amino acid conservation, physicochemical variation, residue mobility, and thermodynamic stability) indicates that this missense variant is not expected to disrupt SAMD9L protein function with a negative predictive value of 80%. In summary, the available evidence is currently insufficient to determine the role of this variant in disease. Therefore, it has been classified as a Variant of Uncertain Significance.